The following is an entry in ClinVar:

ClinVar aggregate classification (germline): Uncertain significance (1 of 4 stars; one submission).

Conditions:
Atrial fibrillation, familial, 7 (ATFB7). Identifiers: MedGen C2677106, MONDO:0012828, OMIM 612240.

Submission:

Labcorp Genetics (formerly Invitae), Labcorp
Classification: Uncertain significance for Atrial fibrillation, familial, 7. Last evaluated: 2019-10-18. Review status: criteria provided, single submitter. Criteria: Invitae Variant Classification Sherloc (09022015). Collection method: clinical testing. Allele origin: unknown.
Comment: In summary, the available evidence is currently insufficient to determine the role of this variant in disease. Therefore, it has been classified as a Variant of Uncertain Significance. This sequence change results in a premature translational stop signal in the KCNA5 gene. While this is not anticipated to result in nonsense mediated decay, it is expected to disrupt the last 349 amino acids of the KCNA5 protein. This variant has not been reported in the literature in individuals with KCNA5-related conditions. Experimental studies and prediction algorithms are not available or were not evaluated, and the functional significance of this variant is currently unknown.

NC_000012.11:g.(?_5154109)_(5190088_?)del

Gene: KCNA5 (potassium voltage-gated channel subfamily A member 5; plus strand). Cytogenetic location: 12p13.32.
Variant type: Deletion.
Identifiers: ClinVar variation 3244326 (VCV003244326.1).